The following is an entry in ClinVar:

ClinVar aggregate classification (germline): Uncertain significance (1 of 4 stars; one submission).

Conditions:
Cardiovascular phenotype. Identifiers: MedGen CN230736.
Hereditary cancer-predisposing syndrome. Also called: Neoplastic Syndromes, Hereditary; Tumor predisposition; Hereditary Cancer Syndrome; Hereditary neoplastic syndrome. Identifiers: Orphanet 140162, MedGen C0027672, MeSH D009386, MONDO:0015356.

Submission:

Ambry Genetics
Classification: Uncertain significance for Cardiovascular phenotype; Hereditary cancer-predisposing syndrome. Last evaluated: 2022-04-18. Review status: criteria provided, single submitter. Criteria: Ambry Variant Classification Scheme 2023. Collection method: clinical testing. Allele origin: germline.
Comment: The c.1717_1719dupTCC variant (also known as p.S573dup), located in coding exon 15 of the LZTR1 gene, results from an in-frame duplication of TCC at nucleotide positions 1717 to 1719. This results in the in-frame duplication of an extra serine residue between codons 573 and 574. This amino acid position is highly conserved in available vertebrate species. In addition, this alteration is predicted to be deleterious by in silico analysis (Choi Y et al. PLoS ONE. 2012; 7(10):e46688). Since supporting evidence is limited at this time, the clinical significance of this alteration remains unclear.

NM_006767.4(LZTR1):c.1717_1719dup (p.Ser573_Val574insSer)

Gene: LZTR1 (leucine zipper like post translational regulator 1; plus strand). Cytogenetic location: 22q11.21.
Variant type: Duplication.
Coding change: c.1717_1719dup on transcript NM_006767.4 (MANE Select); coding-DNA positions 1717 to 1719, 3 bases duplicated (TCC; older notation c.1717_1719dupTCC).
Protein change: p.Ser573_Val574insSer.
Molecular consequence: inframe insertion.
Genome position (GRCh38, 1-based): chr22:20,994,659-20,994,661, TCC duplicated; duplicating any 3 consecutive bases within chr22:20,994,657-20,994,661 gives the same sequence; the c. name uses the placement nearest the transcript's 3' end. VCF-style (leftmost placement, unchanged base first): chr22-20994656-G-GCCT. GRCh37 (hg19) VCF-style: chr22-21348945-G-GCCT.
Identifiers: ClinVar variation 1778643 (VCV001778643.2), dbSNP rs2518621870, ClinGen allele CA2580099215.